The following is an entry in ClinVar:

NM_024675.4(PALB2):c.3365A>T (p.Asp1122Val)

Gene: PALB2 (partner and localizer of BRCA2; minus strand). Cytogenetic location: 16p12.2.
Variant type: single nucleotide variant.
Coding change: c.3365A>T on transcript NM_024675.4 (MANE Select); coding-DNA position 3365, A replaced by T.
Protein change: p.Asp1122Val; replaces aspartic acid 1122 with valine.
Molecular consequence: missense variant.
Genome position (GRCh38, 1-based): chr16:23,603,655, T>A on the plus strand (A>T on the coding strand, the complement: PALB2 is on the minus strand). VCF-style: chr16-23603655-T-A. GRCh37 (hg19) VCF-style: chr16-23614976-T-A.
Other names: short protein forms D1122V.
Identifiers: ClinVar variation 449880 (VCV000449880.2), dbSNP rs1555457892, ClinGen allele CA395138362.

ClinVar aggregate classification (germline): Uncertain significance (1 of 4 stars; one submission).

Submission:

GeneDx
Classification: Uncertain significance. Last evaluated: 2017-03-16. Review status: criteria provided, single submitter. Criteria: GeneDx Variant Classification (06012015). Collection method: clinical testing. Allele origin: germline. Affected: yes.
Comment: This variant is denoted PALB2 c.3365A>T at the cDNA level, p.Asp1122Val (D1122V) at the protein level, and results in the change of an Aspartic Acid to a Valine (GAC>GTC). This variant has not, to our knowledge, been published in the literature as pathogenic or benign. PALB2 Asp1122Val was not observed in large population cohorts (NHLBI Exome Sequencing Project, The 1000 Genomes Consortium 2015, Lek 2016). Since Aspartic Acid and Valine differ in polarity, charge, size or other properties, this is considered a non-conservative amino acid substitution. PALB2 Asp1122Val occurs at a position where amino acids with properties similar to Aspartic Acid are tolerated across species and is located within the WD6 repeat domain, a region of interaction with POLH, RAD51, and BRCA2, as well as a region required for POLH DNA synthesis stimulation (UniProt). In silico analyses predict that this variant is probably damaging to protein structure and function. Based on currently available evidence, it is unclear whether PALB2 Asp1122Val is a pathogenic or benign variant. We consider it to be a variant of uncertain significance.